The following is an entry in ClinVar:

ClinVar aggregate classification (germline): Uncertain significance. Review status: criteria provided, multiple submitters, no conflicts (2 of 4 stars). 2 submissions from 2 submitters: Uncertain significance (2). Last evaluated 2024-10-02.

Conditions:
Febrile seizures, familial, 8 (FEB8). Also called: CONVULSIONS, FAMILIAL FEBRILE, 8. Identifiers: Orphanet 36387, MedGen C1969810, MONDO:0011891, OMIM 607681.
EPILEPSY, CHILDHOOD ABSENCE, SUSCEPTIBILITY TO, 2 (ECA2). Identifiers: Orphanet 64280, MedGen C1843244, OMIM 607681.

Allele frequency attached by ClinVar (database versions not stated): gnomAD exomes below 0.00001.

Submissions (2):

GeneDx
Classification: Uncertain significance. Last evaluated: 2024-10-02. Review status: criteria provided, single submitter. Criteria: GeneDx Variant Classification Process June 2021. Collection method: clinical testing. Allele origin: germline. Affected: yes.
Comment: Not observed at significant frequency in large population cohorts (gnomAD); Nonsense variant predicted to result in protein truncation as the last 4 amino acids are lost, although loss-of-function variants have not been reported downstream of this position in the protein; Has not been previously published as pathogenic or benign to our knowledge

Labcorp Genetics (formerly Invitae), Labcorp
Classification: Uncertain significance for Febrile seizures, familial, 8; EPILEPSY, CHILDHOOD ABSENCE, SUSCEPTIBILITY TO, 2. Last evaluated: 2020-02-21. Review status: criteria provided, single submitter. Criteria: Invitae Variant Classification Sherloc (09022015). Collection method: clinical testing. Allele origin: germline.
Comment: This sequence change results in a premature translational stop signal in the GABRG2 gene (p.Tyr464*). While this is not anticipated to result in nonsense mediated decay, it is expected to disrupt the last 52 amino acids of the GABRG2 protein. This variant is not present in population databases (ExAC no frequency). This variant has been observed to segregate with febrile seizures in a family (Invitae). In summary, the available evidence is currently insufficient to determine the role of this variant in disease. Therefore, it has been classified as a Variant of Uncertain Significance.

NM_198904.4(GABRG2):c.1415dup (p.Tyr472Ter)

Gene: GABRG2 (gamma-aminobutyric acid type A receptor subunit gamma2; plus strand). Cytogenetic location: 5q34.
Variant type: Duplication.
Coding change: c.1415dup on transcript NM_198904.4 (MANE Select); coding-DNA position 1415, one base duplicated (A; older notation c.1415dupA).
Protein change: p.Tyr472Ter; replaces tyrosine 472 with a stop codon.
Molecular consequence: nonsense. On other transcripts: 3 prime UTR variant (1).
Genome position (GRCh38, 1-based): chr5:162,153,355, A duplicated. VCF-style (leftmost placement, unchanged base first): chr5-162153354-T-TA. GRCh37 (hg19) VCF-style: chr5-161580360-T-TA.
Other names: c.1391dupA (NM_000816.3); c.1391dup, p.Tyr464Ter (NM_000816.3); c.1406dup, p.Tyr469Ter (NM_001375339.1); c.*249dup (NM_001375340.1); c.1412dup, p.Tyr471Ter (NM_001375341.1); c.1388dup, p.Tyr463Ter (NM_001375342.1); c.1511dup, p.Tyr504Ter (NM_001375343.1); c.1454dup, p.Tyr485Ter (NM_001375344.1); and 7 more; short protein forms Y442*, Y464*, Y469*, Y471*, Y324*, Y332*, Y369*, Y443*.
Identifiers: ClinVar variation 646021 (VCV000646021.10), dbSNP rs1210628894, ClinGen allele CA564438697.
Genomic context (GRCh38, chr5:162,153,354, plus strand): 5'-TATGCTCGGATCTTCTTCCCCACTGCCTTCTGCCTGTTTAATCTGGTCTATTGGGTCTCC[T>TA]ACCTCTACCTGTGAGGAGGTATGGGTTTTACTGATATGGTTCTTATTCACTGAGTCTCAT-3'